The following is an entry in ClinVar:

ClinVar aggregate classification (germline): Uncertain significance. Review status: criteria provided, multiple submitters, no conflicts (2 of 4 stars). 2 submissions from 2 submitters: Uncertain significance (2). Last evaluated 2022-12-15.

Conditions:
Cardiovascular phenotype. Identifiers: MedGen CN230736.
Noonan syndrome 9 (NS9). Identifiers: Orphanet 648, MedGen C4225282, MONDO:0014691, OMIM 616559.

Allele frequency attached by ClinVar (database versions not stated): gnomAD exomes below 0.00001; TOPMed below 0.00001; gnomAD 0.00001.
gnomAD v4.1: 6 of 1,586,028 alleles (0.00038%); highest among the groups gnomAD compares: African/African-American, 0.0013%; no homozygotes.

Submissions (2):

Labcorp Genetics (formerly Invitae), Labcorp
Classification: Uncertain significance for Noonan syndrome 9. Last evaluated: 2022-12-15. Review status: criteria provided, single submitter. Criteria: Invitae Variant Classification Sherloc (09022015). Collection method: clinical testing. Allele origin: germline.
Comment: This sequence change replaces asparagine, which is neutral and polar, with serine, which is neutral and polar, at codon 41 of the SOS2 protein (p.Asn41Ser). This variant is not present in population databases (gnomAD no frequency). This variant has not been reported in the literature in individuals affected with SOS2-related conditions. ClinVar contains an entry for this variant (Variation ID: 1755083). Advanced modeling of protein sequence and biophysical properties (such as structural, functional, and spatial information, amino acid conservation, physicochemical variation, residue mobility, and thermodynamic stability) performed at Invitae indicates that this missense variant is not expected to disrupt SOS2 protein function. In summary, the available evidence is currently insufficient to determine the role of this variant in disease. Therefore, it has been classified as a Variant of Uncertain Significance.

Ambry Genetics
Classification: Uncertain significance for Cardiovascular phenotype. Last evaluated: 2022-06-14. Review status: criteria provided, single submitter. Criteria: Ambry Variant Classification Scheme 2023. Collection method: clinical testing. Allele origin: germline.
Comment: The p.N41S variant (also known as c.122A>G), located in coding exon 2 of the SOS2 gene, results from an A to G substitution at nucleotide position 122. The asparagine at codon 41 is replaced by serine, an amino acid with highly similar properties. This amino acid position is conserved. In addition, this alteration is predicted to be tolerated by in silico analysis. Since supporting evidence is limited at this time, the clinical significance of this alteration remains unclear.

NM_006939.4(SOS2):c.122A>G (p.Asn41Ser)

Gene: SOS2 (SOS Ras/Rho guanine nucleotide exchange factor 2; minus strand). Cytogenetic location: 14q21.3.
Variant type: single nucleotide variant.
Coding change: c.122A>G on transcript NM_006939.4 (MANE Select); coding-DNA position 122, A replaced by G.
Protein change: p.Asn41Ser; replaces asparagine 41 with serine.
Molecular consequence: missense variant.
Genome position (GRCh38, 1-based): chr14:50,204,375, T>C on the plus strand (A>G on the coding strand, the complement: SOS2 is on the minus strand). VCF-style: chr14-50204375-T-C. GRCh37 (hg19) VCF-style: chr14-50671093-T-C.
Other names: c.122A>G, p.Asn41Ser (NM_001411020.1); short protein forms N41S.
Identifiers: ClinVar variation 1755083 (VCV001755083.5), dbSNP rs1249312381, ClinGen allele CA389651419.